The following is an entry in ClinVar:

ClinVar aggregate classification (germline): Likely benign. Review status: criteria provided, multiple submitters, no conflicts (2 of 4 stars). 4 submissions from 4 submitters: Likely benign (3). 1 of the submissions does not count toward it. Last evaluated 2025-09-13.

Conditions:
KANK1-related disorder. Also called: KANK1-related condition.
Cerebral palsy, spastic quadriplegic, 2 (CPSQ2). Identifiers: Orphanet 210141, MedGen C2752061, MONDO:0013033, OMIM 612900.

Allele frequency attached by ClinVar (database versions not stated): ESP Exome Variant Server 0.00008; gnomAD exomes 0.00008 and 0.00048; gnomAD 0.00024 and 0.00025; TOPMed 0.00039; ExAC 0.00040; 1000 Genomes Project 30x 0.00047; 1000 Genomes Project 0.00060.
gnomAD v4.1: 193 of 1,614,104 alleles (0.012%); highest among the groups gnomAD compares: East Asian, 0.22%; 1 homozygote.

Submissions (4):

Labcorp Genetics (formerly Invitae), Labcorp
Classification: Likely benign. Last evaluated: 2025-09-13. Review status: criteria provided, single submitter. Criteria: Invitae Variant Classification Sherloc (09022015). Collection method: clinical testing. Allele origin: germline.

Blueprint Genetics
Classification: Likely benign. Last evaluated: 2024-10-09. Review status: criteria provided, single submitter. Criteria: ACMG Guidelines, 2015. Collection method: clinical testing. Allele origin: germline.

Fulgent Genetics
Classification: Likely benign for Cerebral palsy, spastic quadriplegic, 2. Last evaluated: 2021-09-20. Review status: criteria provided, single submitter. Criteria: ACMG Guidelines, 2015. Collection method: clinical testing. Allele origin: unknown.

PreventionGenetics, part of Exact Sciences
Classification: Likely benign for KANK1-related condition. Last evaluated: 2020-09-30. Review status: no assertion criteria provided. Collection method: clinical testing. Allele origin: germline. Not counted in ClinVar's aggregate classification.
Comment: This variant is classified as likely benign based on ACMG/AMP sequence variant interpretation guidelines (Richards et al. 2015 PMID: 25741868, with internal and published modifications).

NM_015158.5(KANK1):c.857T>A (p.Val286Glu)

Gene: KANK1 (KN motif and ankyrin repeat domains 1; plus strand). Cytogenetic location: 9p24.3.
Variant type: single nucleotide variant.
Coding change: c.857T>A on transcript NM_015158.5 (MANE Select); coding-DNA position 857, T replaced by A.
Protein change: p.Val286Glu; replaces valine 286 with glutamic acid.
Molecular consequence: missense variant. On other transcripts: non-coding transcript variant (1).
Genome position (GRCh38, 1-based): chr9:711,623, T>A. VCF-style: chr9-711623-T-A. GRCh37 (hg19) VCF-style: chr9-711623-T-A.
Other names: c.857T>A, p.Val286Glu (NM_001256876.3, NM_001256877.3, NM_001354331.2 and 2 more transcripts); c.383T>A, p.Val128Glu (NM_001354333.2, NM_001354335.2, NM_001354336.2 and 9 more transcripts); c.857T>A (NM_015158.3); short protein forms V128E, V286E.
Identifiers: ClinVar variation 1553671 (VCV001553671.12), dbSNP rs114947217, ClinGen allele CA4960064.